The following is an entry in ClinVar:

NM_001164508.2(NEB):c.22716T>G (p.Tyr7572Ter)

Genes: NEB (nebulin; minus strand), RIF1 (replication timing regulatory factor 1; plus strand). Cytogenetic location: 2q23.3.
Variant type: single nucleotide variant.
Coding change: c.22716T>G on transcript NM_001164508.2 (MANE Select); coding-DNA position 22716, T replaced by G.
Protein change: p.Tyr7572Ter; replaces tyrosine 7572 with a stop codon.
Molecular consequence: nonsense.
Genome position (GRCh38, 1-based): chr2:151,518,402, A>C on the plus strand (T>G on the coding strand, the complement: NEB is on the minus strand). VCF-style: chr2-151518402-A-C. GRCh37 (hg19) VCF-style: chr2-152374916-A-C.
Other names: c.22716T>G, p.Tyr7572Ter (NM_001164507.2); c.22821T>G, p.Tyr7607Ter (NM_001271208.2); c.17613T>G, p.Tyr5871Ter (NM_004543.5); short protein forms Y5871*, Y7572*, Y7607*.
Identifiers: ClinVar variation 3390857 (VCV003390857.2).

ClinVar aggregate classification (germline): Likely pathogenic (1 of 4 stars; one submission).

Conditions:
Nemaline myopathy 2 (NEM2). Also called: Nemaline myopathy 2, autosomal recessive. Identifiers: MedGen C1850569, MONDO:0009725, OMIM 256030.

Submission:

Institute of Medical Genetics and Genomics, Sir Ganga Ram Hospital
Classification: Likely pathogenic for Nemaline myopathy 2. Last evaluated: 2024-12-13. Review status: criteria provided, single submitter. Criteria: ACMG Guidelines, 2015. Collection method: clinical testing. Allele origin: germline. Inheritance: Autosomal recessive inheritance. Affected: yes.
Comment: The identified heterozygous variant in NEB gene is a null variant which is predicted to undergo NMD thus fulfilling PVS1 criteria and is also absent from normal population database[PM2]. It is identified in trans with another likely pathogenic variant [ c.1212_1232dup],hence classified as likely pathogenic